The following is an entry in ClinVar:

ClinVar aggregate classification (germline): Uncertain significance. Review status: criteria provided, multiple submitters, no conflicts (2 of 4 stars). 2 submissions from 2 submitters: Uncertain significance (2). Last evaluated 2025-10-29.

Conditions:
Hereditary cancer-predisposing syndrome. Also called: Hereditary neoplastic syndrome; Hereditary Cancer Syndrome; Neoplastic Syndromes, Hereditary; Tumor predisposition. Identifiers: Orphanet 140162, MedGen C0027672, MeSH D009386, MONDO:0015356.
Breast-ovarian cancer, familial, susceptibility to, 4. Identifiers: Orphanet 145, MedGen C3280345, MONDO:0013669, OMIM 614291.

Submissions (2):

Ambry Genetics
Classification: Uncertain significance for Hereditary cancer-predisposing syndrome. Last evaluated: 2025-10-29. Review status: criteria provided, single submitter. Criteria: Ambry Variant Classification Scheme 2023. Collection method: clinical testing. Allele origin: germline.
Comment: The p.F173L variant (also known as c.519T>A), located in coding exon 6 of the RAD51D gene, results from a T to A substitution at nucleotide position 519. The phenylalanine at codon 173 is replaced by leucine, an amino acid with highly similar properties. This amino acid position is highly conserved in available vertebrate species. In addition, the in silico prediction for this alteration is inconclusive. Since supporting evidence is limited at this time, the clinical significance of this alteration remains unclear.

Labcorp Genetics (formerly Invitae), Labcorp
Classification: Uncertain significance for Breast-ovarian cancer, familial, susceptibility to, 4. Last evaluated: 2023-12-30. Review status: criteria provided, single submitter. Criteria: Invitae Variant Classification Sherloc (09022015). Collection method: clinical testing. Allele origin: germline.
Comment: This sequence change replaces phenylalanine, which is neutral and non-polar, with leucine, which is neutral and non-polar, at codon 173 of the RAD51D protein (p.Phe173Leu). This variant is not present in population databases (gnomAD no frequency). This variant has not been reported in the literature in individuals affected with RAD51D-related conditions. ClinVar contains an entry for this variant (Variation ID: 230203). Advanced modeling of protein sequence and biophysical properties (such as structural, functional, and spatial information, amino acid conservation, physicochemical variation, residue mobility, and thermodynamic stability) performed at Invitae indicates that this missense variant is not expected to disrupt RAD51D protein function with a negative predictive value of 80%. In summary, the available evidence is currently insufficient to determine the role of this variant in disease. Therefore, it has been classified as a Variant of Uncertain Significance.

NM_002878.4(RAD51D):c.519T>A (p.Phe173Leu)

Genes: RAD51L3-RFFL (RAD51L3-RFFL readthrough; minus strand), RAD51D (RAD51 paralog D; minus strand). Cytogenetic location: 17q12.
Variant type: single nucleotide variant.
Coding change: c.519T>A on transcript NM_002878.4 (MANE Select); coding-DNA position 519, T replaced by A.
Protein change: p.Phe173Leu; replaces phenylalanine 173 with leucine.
Molecular consequence: missense variant. On other transcripts: non-coding transcript variant (3).
Genome position (GRCh38, 1-based): chr17:35,106,443, A>T on the plus strand (T>A on the coding strand, the complement: RAD51D is on the minus strand). VCF-style: chr17-35106443-A-T. GRCh37 (hg19) VCF-style: chr17-33433462-A-T.
Other names: c.579T>A, p.Phe193Leu (NM_001142571.2); c.183T>A, p.Phe61Leu (NM_133629.3); short protein forms F173L, F193L, F61L.
Identifiers: ClinVar variation 230203 (VCV000230203.11), dbSNP rs876658447, ClinGen allele CA10580456.